The following is an entry in ClinVar:

ClinVar aggregate classification (germline): Uncertain significance (1 of 4 stars; one submission).

Conditions:
Ehlers-Danlos syndrome, dermatosparaxis type. Also called: EDS VIIC; Dermatosparaxis; Ehlers-Danlos syndrome, type VII, autosomal recessive. Identifiers: Orphanet 1901, MedGen C2700425, MONDO:0009161, OMIM 225410.

Submission:

Labcorp Genetics (formerly Invitae), Labcorp
Classification: Uncertain significance for Ehlers-Danlos syndrome, dermatosparaxis type. Last evaluated: 2024-08-17. Review status: criteria provided, single submitter. Criteria: Invitae Variant Classification Sherloc (09022015). Collection method: clinical testing. Allele origin: germline.
Comment: This sequence change replaces aspartic acid, which is acidic and polar, with glutamic acid, which is acidic and polar, at codon 468 of the ADAMTS2 protein (p.Asp468Glu). This variant is not present in population databases (gnomAD no frequency). This variant has not been reported in the literature in individuals affected with ADAMTS2-related conditions. An algorithm developed to predict the effect of missense changes on protein structure and function (PolyPhen-2) suggests that this variant is likely to be disruptive. In summary, the available evidence is currently insufficient to determine the role of this variant in disease. Therefore, it has been classified as a Variant of Uncertain Significance.

NM_014244.5(ADAMTS2):c.1404T>A (p.Asp468Glu)

Gene: ADAMTS2 (ADAM metallopeptidase with thrombospondin type 1 motif 2; minus strand). Cytogenetic location: 5q35.3.
Variant type: single nucleotide variant.
Coding change: c.1404T>A on transcript NM_014244.5 (MANE Select); coding-DNA position 1404, T replaced by A.
Protein change: p.Asp468Glu; replaces aspartic acid 468 with glutamic acid.
Molecular consequence: missense variant.
Genome position (GRCh38, 1-based): chr5:179,153,602, A>T on the plus strand (T>A on the coding strand, the complement: ADAMTS2 is on the minus strand). VCF-style: chr5-179153602-A-T. GRCh37 (hg19) VCF-style: chr5-178580603-A-T.
Other names: c.1404T>A, p.Asp468Glu (NM_021599.4); short protein forms D468E.
Identifiers: ClinVar variation 3653607 (VCV003653607.2).